The following is an entry in ClinVar:

NM_021008.4(DEAF1):c.1344_1345insAA (p.Glu449fs)

Genes: DEAF1 (DEAF1 transcription factor; minus strand), LOC126861109 (BRD4-independent group 4 enhancer GRCh37_chr11:673917-675116; plus strand). Cytogenetic location: 11p15.5.
Variant type: Insertion.
Coding change: c.1344_1345insAA on transcript NM_021008.4 (MANE Select); coding-DNA positions 1344 to 1345, AA inserted.
Protein change: p.Glu449fs; shifts the reading frame from glutamic acid 449.
Molecular consequence: frameshift variant.
Genome position: GRCh38 VCF-style: chr11-674694-C-CTT. GRCh37 (hg19) VCF-style: chr11-674694-C-CTT.
Other names: c.1076_1077insAA, p.Glu360Lysfs (NM_001293634.2); c.618_619insAA, p.Glu207fs (NM_001367390.1); short protein forms E207fs, E360fs, E449fs.
Identifiers: ClinVar variation 1308815 (VCV001308815.2), dbSNP rs2133365358, ClinGen allele CA2573053550.

ClinVar aggregate classification (germline): Uncertain significance (1 of 4 stars; one submission).

Submission:

GeneDx
Classification: Uncertain significance. Last evaluated: 2019-09-20. Review status: criteria provided, single submitter. Criteria: GeneDx Variant Classification Process June 2021. Collection method: clinical testing. Allele origin: germline. Affected: yes.
Comment: Not observed in large population cohorts (Lek et al., 2016); Frameshift variant predicted to result in protein truncation or nonsense mediated decay in a gene for which loss-of-function is not a known mechanism of disease; Has not been previously published as pathogenic or benign to our knowledge